The following is an entry in ClinVar:

ClinVar aggregate classification (germline): Pathogenic (1 of 4 stars; one submission).

Conditions:
Developmental and epileptic encephalopathy, 12 (DEE12). Identifiers: MedGen C3150988, MONDO:0013389, OMIM 613722.

Submission:

Labcorp Genetics (formerly Invitae), Labcorp
Classification: Pathogenic for Developmental and epileptic encephalopathy, 12. Last evaluated: 2024-12-30. Review status: criteria provided, single submitter. Criteria: Invitae Variant Classification Sherloc (09022015). Collection method: clinical testing. Allele origin: germline.
Comment: This sequence change creates a premature translational stop signal (p.Ala429Glyfs*65) in the PNKP gene. While this is not anticipated to result in nonsense mediated decay, it is expected to disrupt the last 93 amino acid(s) of the PNKP protein. This variant is not present in population databases (gnomAD no frequency). This variant has not been reported in the literature in individuals affected with PNKP-related conditions. This variant disrupts a region of the PNKP protein in which other variant(s) (p.Gln517*) have been determined to be pathogenic (PMID: 30039206). This suggests that this is a clinically significant region of the protein, and that variants that disrupt it are likely to be disease-causing. For these reasons, this variant has been classified as Pathogenic.

Literature cited by the submitters: PubMed 30039206.

NM_007254.4(PNKP):c.1285dup (p.Ala429fs)

Gene: PNKP (polynucleotide kinase 3'-phosphatase; minus strand). Cytogenetic location: 19q13.33.
Variant type: Duplication.
Coding change: c.1285dup on transcript NM_007254.4 (MANE Select); coding-DNA position 1285, one base duplicated (G; older notation c.1285dupG).
Protein change: p.Ala429fs; shifts the reading frame from alanine 429.
Molecular consequence: frameshift variant.
Genome position (GRCh38, 1-based): chr19:49,861,785, C duplicated on the plus strand (G on the coding strand, the reverse complement: PNKP is on the minus strand). VCF-style (leftmost placement, unchanged base first): chr19-49861784-G-GC. GRCh37 (hg19) VCF-style: chr19-50365041-G-GC.
Other names: short protein forms A429fs.
Identifiers: ClinVar variation 3727752 (VCV003727752.2).
Genomic context (GRCh38, chr19:49,861,784, plus strand): 5'-CCCCGCCCACCCCGCCGCAGGCCACCTACGGCCCCGCGGTCACGCTACCTGGCGCGGCTC[G>GC]CGGCGTCTGGGTTTGTGTTGTCGATGGCGACCCGTTTCCCTTGCTTCAGGGCTGTCTCAC-3'